The following is an entry in ClinVar:

ClinVar aggregate classification (germline): Uncertain significance (1 of 4 stars; one submission).

Conditions:
Neuropathy, hereditary sensory, type 1F. Also called: Hereditary sensory neuropathy type IF; HSN IF. Identifiers: Orphanet 36386, MedGen C3810194, MONDO:0014286, OMIM 615632.

Submission:

Labcorp Genetics (formerly Invitae), Labcorp
Classification: Uncertain significance for Neuropathy, hereditary sensory, type 1F. Last evaluated: 2018-07-17. Review status: criteria provided, single submitter. Criteria: Invitae Variant Classification Sherloc (09022015). Collection method: clinical testing. Allele origin: germline.
Comment: In summary, the available evidence is currently insufficient to determine the role of this variant in disease. Therefore, it has been classified as a Variant of Uncertain Significance. This variant is not present in population databases (ExAC no frequency). This variant has not been reported in the literature in individuals with ATL3-related disease. Algorithms developed to predict the effect of missense changes on protein structure and function are either unavailable or do not agree on the potential impact of this missense change (SIFT: "Tolerated"; PolyPhen-2: "Probably Damaging"; Align-GVGD: "Class C0"). This sequence change replaces glutamic acid with lysine at codon 101 of the ATL3 protein (p.Glu101Lys). The glutamic acid residue is moderately conserved and there is a small physicochemical difference between glutamic acid and lysine.

NM_015459.5(ATL3):c.301G>A (p.Glu101Lys)

Genes: ATL3 (atlastin GTPase 3; minus strand), LNCROPM (lncRNA regulator of PLAAT3 mediated phospholipid metabolism; plus strand). Cytogenetic location: 11q13.1.
Variant type: single nucleotide variant.
Coding change: c.301G>A on transcript NM_015459.5 (MANE Select); coding-DNA position 301, G replaced by A.
Protein change: p.Glu101Lys; replaces glutamic acid 101 with lysine.
Molecular consequence: missense variant.
Genome position (GRCh38, 1-based): chr11:63,658,865, C>T on the plus strand (G>A on the coding strand, the complement: ATL3 is on the minus strand). VCF-style: chr11-63658865-C-T. GRCh37 (hg19) VCF-style: chr11-63426337-C-T.
Other names: c.247G>A, p.Glu83Lys (NM_001290048.2); short protein forms E83K, E101K.
Identifiers: ClinVar variation 659875 (VCV000659875.8), dbSNP rs1590741864, ClinGen allele CA381030332.